The following is an entry in ClinVar:

NM_001347721.2(DYRK1A):c.436T>A (p.Trp146Arg)

Gene: DYRK1A (dual specificity tyrosine phosphorylation regulated kinase 1A; plus strand). Cytogenetic location: 21q22.13.
Variant type: single nucleotide variant.
Coding change: c.436T>A on transcript NM_001347721.2 (MANE Select); coding-DNA position 436, T replaced by A.
Protein change: p.Trp146Arg; replaces tryptophan 146 with arginine.
Molecular consequence: missense variant.
Genome position (GRCh38, 1-based): chr21:37,480,773, T>A. VCF-style: chr21-37480773-T-A. GRCh37 (hg19) VCF-style: chr21-38853075-T-A.
Other names: c.463T>A, p.Trp155Arg (NM_101395.2, NM_130438.2, NM_001396.5); c.436T>A, p.Trp146Arg (NM_130436.2, NM_001347722.2); c.349T>A, p.Trp117Arg (NM_001347723.2); short protein forms W117R, W146R, W155R.
Identifiers: ClinVar variation 2578914 (VCV002578914.25), dbSNP rs2517988131, ClinGen allele CA409944480.

ClinVar aggregate classification (germline): Uncertain significance (1 of 4 stars; one submission).

Submission:

CeGaT Center for Human Genetics Tuebingen
Classification: Uncertain significance. Last evaluated: 2023-07-01. Review status: criteria provided, single submitter. Criteria: CeGaT Center For Human Genetics Tuebingen Variant Classification Criteria Version 2. Collection method: clinical testing. Allele origin: germline. Affected: yes. Observed: 1 variant allele.
Comment: DYRK1A: PM2, PP2